The following is an entry in ClinVar:

ClinVar aggregate classification (germline): Uncertain significance (1 of 4 stars; one submission).

Allele frequency attached by ClinVar (database versions not stated): gnomAD exomes below 0.00001.
gnomAD v4.1: 1 of 1,595,666 alleles (0.000063%); highest among the groups gnomAD compares: Non-Finnish European, 0.000086%; no homozygotes.

Submission:

Labcorp Genetics (formerly Invitae), Labcorp
Classification: Uncertain significance. Last evaluated: 2022-09-23. Review status: criteria provided, single submitter. Criteria: Invitae Variant Classification Sherloc (09022015). Collection method: clinical testing. Allele origin: germline.
Comment: This sequence change replaces glutamic acid, which is acidic and polar, with lysine, which is basic and polar, at codon 707 of the PDE6B protein (p.Glu707Lys). This variant is not present in population databases (gnomAD no frequency). This variant has not been reported in the literature in individuals affected with PDE6B-related conditions. Advanced modeling of protein sequence and biophysical properties (such as structural, functional, and spatial information, amino acid conservation, physicochemical variation, residue mobility, and thermodynamic stability) has been performed at Invitae for this missense variant, however the output from this modeling did not meet the statistical confidence thresholds required to predict the impact of this variant on PDE6B protein function. In summary, the available evidence is currently insufficient to determine the role of this variant in disease. Therefore, it has been classified as a Variant of Uncertain Significance.

NM_000283.4(PDE6B):c.2119G>A (p.Glu707Lys)

Gene: PDE6B (phosphodiesterase 6B; plus strand). Cytogenetic location: 4p16.3.
Variant type: single nucleotide variant.
Coding change: c.2119G>A on transcript NM_000283.4 (MANE Select); coding-DNA position 2119, G replaced by A.
Protein change: p.Glu707Lys; replaces glutamic acid 707 with lysine.
Molecular consequence: missense variant.
Genome position (GRCh38, 1-based): chr4:664,211, G>A. VCF-style: chr4-664211-G-A. GRCh37 (hg19) VCF-style: chr4-658000-G-A.
Other names: c.2119G>A, p.Glu707Lys (NM_001145291.2); c.1282G>A, p.Glu428Lys (NM_001145292.2, NM_001350154.3, NM_001379246.1 and 1 more transcripts); c.964G>A, p.Glu322Lys (NM_001350155.3); short protein forms E322K, E428K, E707K.
Identifiers: ClinVar variation 1720232 (VCV001720232.5), dbSNP rs2474284887, ClinGen allele CA355919548.
Genomic context (GRCh38, chr4:664,211, plus strand): 5'-AAGAACTACCAGGACAAGAAGAGCTGGGTGGAGTACCTGTCCCTGGAGACGACCCGGAAG[G>A]AGATCGTCATGTGAGCGCGGGCGGAGGGGGCACGAGGGGTCCTTCCCTCGCAGGGACCGG-3'
Protein context (NP_000274.3, residues 697-717): EYLSLETTRK[Glu707Lys]IVMAMMMTAC